The following is an entry in ClinVar:

ClinVar aggregate classification (germline): Uncertain significance (1 of 4 stars; one submission).

Conditions:
Inborn genetic diseases. Identifiers: MedGen C0950123, MeSH D030342.

Submission:

Ambry Genetics
Classification: Uncertain significance for Inborn genetic diseases. Last evaluated: 2023-11-19. Review status: criteria provided, single submitter. Criteria: Ambry Variant Classification Scheme 2023. Collection method: clinical testing. Allele origin: germline.
Comment: The p.L1235V variant (also known as c.3703T>G), located in coding exon 27 of the LRRK2 gene, results from a T to G substitution at nucleotide position 3703. The leucine at codon 1235 is replaced by valine, an amino acid with highly similar properties. This amino acid position is conserved. In addition, the in silico prediction for this alteration is inconclusive. Since supporting evidence is limited at this time, the clinical significance of this alteration remains unclear.

NM_198578.4(LRRK2):c.3703T>G (p.Leu1235Val)

Gene: LRRK2 (leucine rich repeat kinase 2; plus strand). Cytogenetic location: 12q12.
Variant type: single nucleotide variant.
Coding change: c.3703T>G on transcript NM_198578.4 (MANE Select); coding-DNA position 3703, T replaced by G.
Protein change: p.Leu1235Val; replaces leucine 1235 with valine.
Molecular consequence: missense variant.
Genome position (GRCh38, 1-based): chr12:40,304,060, T>G. VCF-style: chr12-40304060-T-G. GRCh37 (hg19) VCF-style: chr12-40697862-T-G.
Other names: short protein forms L1235V.
Identifiers: ClinVar variation 3229626 (VCV003229626.1), dbSNP rs1449994893, ClinGen allele CA384416766.